The following is an entry in ClinVar:

NM_020778.5(ALPK3):c.1245G>C (p.Leu415Phe)

Gene: ALPK3 (alpha kinase 3; plus strand). Cytogenetic location: 15q25.3.
Variant type: single nucleotide variant.
Coding change: c.1245G>C on transcript NM_020778.5 (MANE Select); coding-DNA position 1245, G replaced by C.
Protein change: p.Leu415Phe; replaces leucine 415 with phenylalanine.
Molecular consequence: missense variant.
Genome position (GRCh38, 1-based): chr15:84,840,524, G>C. VCF-style: chr15-84840524-G-C. GRCh37 (hg19) VCF-style: chr15-85383755-G-C.
Other names: short protein forms L415F.
Identifiers: ClinVar variation 4703607 (VCV004703607.1).

ClinVar aggregate classification (germline): Uncertain significance (1 of 4 stars; one submission).

gnomAD v4.1: 1 of 1,609,780 alleles (0.000062%); highest among the groups gnomAD compares: Non-Finnish European, 0.000085%; no homozygotes.

Submission:

Labcorp Genetics (formerly Invitae), Labcorp
Classification: Uncertain significance. Last evaluated: 2025-12-29. Review status: criteria provided, single submitter. Criteria: Invitae Variant Classification Sherloc (09022015). Collection method: clinical testing. Allele origin: germline.
Comment: This sequence change replaces leucine, which is neutral and non-polar, with phenylalanine, which is neutral and non-polar, at codon 617 of the ALPK3 protein (p.Leu617Phe). This variant is present in population databases (rs750231929, gnomAD 0.0009%). This variant has not been reported in the literature in individuals affected with ALPK3-related conditions. Invitae Evidence Modeling of protein sequence and biophysical properties (such as structural, functional, and spatial information, amino acid conservation, physicochemical variation, residue mobility, and thermodynamic stability) indicates that this missense variant is expected to disrupt ALPK3 protein function with a positive predictive value of 80%. In summary, the available evidence is currently insufficient to determine the role of this variant in disease. Therefore, it has been classified as a Variant of Uncertain Significance.